The following is an entry in ClinVar:

NM_014915.3(ANKRD26):c.243-69del

Gene: ANKRD26 (ankyrin repeat domain 26; minus strand). Cytogenetic location: 10p12.1.
Variant type: Deletion.
Coding change: c.243-69del on transcript NM_014915.3 (MANE Select); 69 bases into the intron before coding-DNA position 243, one base deleted (A; older notation c.243-69delA).
Molecular consequence: intron variant.
Genome position (GRCh38, 1-based): chr10:27,093,868, T deleted on the plus strand (A on the coding strand, the reverse complement: ANKRD26 is on the minus strand); the first of 2 consecutive T bases (chr10:27,093,868-27,093,869); deleting either gives the same sequence. VCF-style (leftmost placement, unchanged base first): chr10-27093867-AT-A. GRCh37 (hg19) VCF-style: chr10-27382796-AT-A.
Other names: c.243-69del (NM_001256053.2).
Identifiers: ClinVar variation 2640374 (VCV002640374.24), dbSNP rs751404403, ClinGen allele CA204451094.

ClinVar aggregate classification (germline): Benign (1 of 4 stars; one submission).

Submission:

CeGaT Center for Human Genetics Tuebingen
Classification: Benign. Last evaluated: 2022-08-01. Review status: criteria provided, single submitter. Criteria: CeGaT Center For Human Genetics Tuebingen Variant Classification Criteria Version 2. Collection method: clinical testing. Allele origin: germline. Affected: yes. Observed: 1 variant allele.
Comment: ANKRD26: BS1, BS2